The following is an entry in ClinVar:

NM_052947.4(ALPK2):c.4497A>C (p.Glu1499Asp)

Genes: ALPK2 (alpha kinase 2; minus strand), LOC126862764 (BRD4-independent group 4 enhancer GRCh37_chr18:56202574-56203773; plus strand). Cytogenetic location: 18q21.31.
Variant type: single nucleotide variant.
Coding change: c.4497A>C on transcript NM_052947.4 (MANE Select); coding-DNA position 4497, A replaced by C.
Protein change: p.Glu1499Asp; replaces glutamic acid 1499 with aspartic acid.
Molecular consequence: missense variant.
Genome position (GRCh38, 1-based): chr18:58,535,690, T>G on the plus strand (A>C on the coding strand, the complement: ALPK2 is on the minus strand). VCF-style: chr18-58535690-T-G. GRCh37 (hg19) VCF-style: chr18-56202922-T-G.
Other names: short protein forms E1499D.
Identifiers: ClinVar variation 3531471 (VCV003531471.1).
Genomic context (GRCh38, chr18:58,535,690, plus strand): 5'-CCCATCACTGCTTTCTTGTATTTGGCCTATGCTACATCCACTTGGAATTCTTTCACCGCC[T>G]TCGCTGGGTTGCAGGACTTGCCAAATGGCAGTTTTTGCCTCCTCAGGTTGAATTTGTTCA-3'
Protein context (NP_443179.3, residues 1489-1509): TAIWQVLQPS[Glu1499Asp]GGERIPSGCS

ClinVar aggregate classification (germline): Uncertain significance (1 of 4 stars; one submission).

Submission:

Ambry Genetics
Classification: Uncertain significance. Last evaluated: 2024-09-09. Review status: criteria provided, single submitter. Criteria: Ambry Variant Classification Scheme 2023. Collection method: clinical testing. Allele origin: germline.
Comment: The p.E1499D variant (also known as c.4497A>C), located in coding exon 4 of the ALPK2 gene, results from an A to C substitution at nucleotide position 4497. The glutamic acid at codon 1499 is replaced by aspartic acid, an amino acid with highly similar properties. This amino acid position is conserved. In addition, this alteration is predicted to be tolerated by in silico analysis. Based on the available evidence, the clinical significance of this variant remains unclear.